The following is an entry in ClinVar:

NM_015215.4(CAMTA1):c.2810T>C (p.Val937Ala)

Gene: CAMTA1 (calmodulin binding transcription activator 1; plus strand). Cytogenetic location: 1p36.23.
Variant type: single nucleotide variant.
Coding change: c.2810T>C on transcript NM_015215.4 (MANE Select); coding-DNA position 2810, T replaced by C.
Protein change: p.Val937Ala; replaces valine 937 with alanine.
Molecular consequence: missense variant. On other transcripts: 5 prime UTR variant (6).
Genome position (GRCh38, 1-based): chr1:7,677,629, T>C. VCF-style: chr1-7677629-T-C. GRCh37 (hg19) VCF-style: chr1-7737689-T-C.
Other names: c.2720T>C, p.Val907Ala (NM_001349608.2, NM_001349612.2); c.2810T>C, p.Val937Ala (NM_001349609.2, NM_001349610.2); c.-119T>C (NM_001349614.1, NM_001349617.1, NM_001349620.1 and 3 more transcripts); short protein forms V907A, V937A.
Identifiers: ClinVar variation 1029367 (VCV001029367.1), dbSNP rs2096135808, ClinGen allele CA338124203.

ClinVar aggregate classification (germline): Uncertain significance (1 of 4 stars; one submission).

Conditions:
Cerebellar dysfunction with variable cognitive and behavioral abnormalities (CECBA). Also called: Nonprogressive cerebellar atxia with intellectual disability. Identifiers: Orphanet 314647, MedGen C3553661, MONDO:0013886, OMIM 614756.

Submission:

Baylor Genetics
Classification: Uncertain significance for Cerebellar dysfunction with variable cognitive and behavioral abnormalities. Last evaluated: 2019-03-26. Review status: criteria provided, single submitter. Criteria: ACMG Guidelines, 2015. Collection method: clinical testing. Allele origin: unknown. Affected: yes.
Comment: This variant was determined to be of uncertain significance according to ACMG Guidelines, 2015 [PMID:25741868].